The following is an entry in ClinVar:

NM_015978.3(TNNI3K):c.2482A>T (p.Ser828Cys)

Genes: FPGT-TNNI3K (FPGT-TNNI3K readthrough; plus strand), TNNI3K (TNNI3 interacting kinase; plus strand). Cytogenetic location: 1p31.1.
Variant type: single nucleotide variant.
Coding change: c.2482A>T on transcript NM_015978.3 (MANE Select); coding-DNA position 2482, A replaced by T.
Protein change: p.Ser828Cys; replaces serine 828 with cysteine.
Molecular consequence: missense variant.
Genome position (GRCh38, 1-based): chr1:74,543,956, A>T. VCF-style: chr1-74543956-A-T. GRCh37 (hg19) VCF-style: chr1-75009640-A-T.
Other names: c.2785A>T, p.Ser929Cys (NM_001112808.3); short protein forms S828C, S929C.
Identifiers: ClinVar variation 4748993 (VCV004748993.3).

ClinVar aggregate classification (germline): Uncertain significance. Review status: criteria provided, multiple submitters, no conflicts (2 of 4 stars). 2 submissions from 2 submitters: Uncertain significance (2). Last evaluated 2026-01-10.

gnomAD v4.1: 4 of 1,613,404 alleles (0.00025%); highest among the groups gnomAD compares: Middle Eastern, 0.017%; no homozygotes.

Submissions (2):

Labcorp Genetics (formerly Invitae), Labcorp
Classification: Uncertain significance. Last evaluated: 2026-01-10. Review status: criteria provided, single submitter. Criteria: Invitae Variant Classification Sherloc (09022015). Collection method: clinical testing. Allele origin: germline.
Comment: This sequence change replaces serine, which is neutral and polar, with cysteine, which is neutral and slightly polar, at codon 828 of the TNNI3K protein (p.Ser828Cys). This variant is present in population databases (rs199605699, gnomAD 0.0009%). This variant has not been reported in the literature in individuals affected with TNNI3K-related conditions. An algorithm developed to predict the effect of missense changes on protein structure and function outputs the following: PolyPhen-2: "Benign". The cysteine amino acid residue is found in multiple mammalian species, which suggests that this missense change does not adversely affect protein function. In summary, the available evidence is currently insufficient to determine the role of this variant in disease. Therefore, it has been classified as a Variant of Uncertain Significance.

Dasa
Classification: Uncertain significance. Last evaluated: 2025-02-26. Review status: criteria provided, single submitter. Criteria: DASA Assertion Criteria. Collection method: clinical testing. Allele origin: germline.
Comment: NM_015978.3(TNNI3K):c.2482A>T (p.Ser828Cys) is a missense variant that results in the substitution of serine with cysteine. This variant is rare in population databases. Computational prediction algorithms are consistent with a benign effect. The currently available literature and clinical evidence are not sufficient to establish a definitive association between this variant and the reported condition. Therefore, this variant is classified as a variant of uncertain significance.